The following is an entry in ClinVar:

ClinVar aggregate classification (germline): Uncertain significance (1 of 4 stars; one submission).

Submission:

Labcorp Genetics (formerly Invitae), Labcorp
Classification: Uncertain significance. Last evaluated: 2022-09-01. Review status: criteria provided, single submitter. Criteria: Invitae Variant Classification Sherloc (09022015). Collection method: clinical testing. Allele origin: germline.
Comment: This sequence change replaces glutamic acid, which is acidic and polar, with lysine, which is basic and polar, at codon 619 of the ERCC3 protein (p.Glu619Lys). This variant is not present in population databases (gnomAD no frequency). This variant has not been reported in the literature in individuals affected with ERCC3-related conditions. Algorithms developed to predict the effect of missense changes on protein structure and function are either unavailable or do not agree on the potential impact of this missense change (SIFT: "Deleterious"; PolyPhen-2: "Possibly Damaging"; Align-GVGD: "Class C0"). In summary, the available evidence is currently insufficient to determine the role of this variant in disease. Therefore, it has been classified as a Variant of Uncertain Significance.

NM_000122.2(ERCC3):c.1855G>A (p.Glu619Lys)

Gene: ERCC3 (ERCC excision repair 3, TFIIH core complex helicase subunit; minus strand). Cytogenetic location: 2q14.3.
Variant type: single nucleotide variant.
Coding change: c.1855G>A on transcript NM_000122.2 (MANE Select); coding-DNA position 1855, G replaced by A.
Protein change: p.Glu619Lys; replaces glutamic acid 619 with lysine.
Molecular consequence: missense variant.
Genome position (GRCh38, 1-based): chr2:127,271,426, C>T on the plus strand (G>A on the coding strand, the complement: ERCC3 is on the minus strand). VCF-style: chr2-127271426-C-T. GRCh37 (hg19) VCF-style: chr2-128029002-C-T.
Other names: c.1663G>A, p.Glu555Lys (NM_001303416.2, NM_001303418.2); short protein forms E555K, E619K.
Identifiers: ClinVar variation 1974990 (VCV001974990.5), dbSNP rs2468028091, ClinGen allele CA348387320.